The following is an entry in ClinVar:

NM_052989.3(IFT122):c.2311_2312del (p.Tyr771fs)

Gene: IFT122 (intraflagellar transport 122; plus strand). Cytogenetic location: 3q22.1.
Variant type: Deletion.
Coding change: c.2311_2312del on transcript NM_052989.3 (MANE Select); coding-DNA positions 2311 to 2312, 2 bases deleted (TA; older notation c.2311_2312delTA).
Protein change: p.Tyr771fs; shifts the reading frame from tyrosine 771.
Molecular consequence: frameshift variant.
Genome position (GRCh38, 1-based): chr3:129,500,004-129,500,005, TA deleted. VCF-style (leftmost placement, unchanged base first): chr3-129500003-GTA-G. GRCh37 (hg19) VCF-style: chr3-129218846-GTA-G.
Other names: c.2287_2288del, p.Tyr763fs (NM_001280541.2); c.1861_1862del, p.Tyr621fs (NM_001280545.2); c.1684_1685del, p.Tyr562fs (NM_001280546.2); c.2134_2135del, p.Tyr712fs (NM_018262.4); c.2464_2465del, p.Tyr822fs (NM_052985.4); c.1978_1979del, p.Tyr660fs (NM_052990.3); short protein forms Y712fs, Y822fs, Y562fs, Y763fs, Y621fs, Y660fs, Y771fs.
Identifiers: ClinVar variation 280161 (VCV000280161.2), dbSNP rs886041421, ClinGen allele CA10602866.

ClinVar aggregate classification (germline): Pathogenic (1 of 4 stars; one submission).

Allele frequency attached by ClinVar (database versions not stated): TOPMed below 0.00001.

Submission:

GeneDx
Classification: Pathogenic. Last evaluated: 2015-12-21. Review status: criteria provided, single submitter. Criteria: GeneDx Variant Classification (06012015). Collection method: clinical testing. Allele origin: germline. Affected: yes.
Comment: The c.2464_2465delTA pathogenic variant in the IFT122 gene has not been reported previously as a pathogenic variant nor as a benign variant, to our knowledge. The c.2464_2465delTA variant causes a frameshift starting with codon Tyrosine 822, changes this amino acid to a Histidine residue, and creates a premature Stop codon at position 15 of the new reading frame, denoted p.Tyr822HisfsX15. This variant is predicted to cause loss of normal protein function either through protein truncation or nonsense-mediated mRNA decay. The c.2464_2465delTA variant was not observed in approximately 6500 individuals of European and African American ancestry in the NHLBI Exome Sequencing Project, indicating it is not a common benign variant in these populations. We interpret c.2464_2465delTA as a pathogenic variant.